The following is an entry in ClinVar:

ClinVar aggregate classification (germline): Likely pathogenic (1 of 4 stars; one submission).

Conditions:
Stuve-Wiedemann syndrome (STWS). Also called: Stüve-Wiedemann syndrome. Identifiers: Orphanet 3206, MedGen C0796176, MONDO:0031280.

Submission:

Natera, Inc.
Classification: Likely pathogenic for Stuve-Wiedemann syndrome. Last evaluated: 2025-09-23. Review status: criteria provided, single submitter. Criteria: Natera Variant Classification Schema (03/2026). Collection method: clinical testing. Allele origin: germline.
Comment: The c.400_407dup variant in LIFR is a frameshift variant predicted to shift the reading frame and introduce a stop codon. This variant is expected to result in nonsense mediated decay, truncation, or a dysfunctional protein product. This variant is rare in the general population with a frequency below the threshold expected for the associated phenotype(s). Given the available evidence, this variant is classified as Likely Pathogenic.

NM_001127671.2(LIFR):c.398_405dup (p.Pro136_Asp137insTer)

Gene: LIFR (LIF receptor subunit alpha; minus strand). Cytogenetic location: 5p13.1.
Variant type: Duplication.
Coding change: c.398_405dup on transcript NM_001127671.2 (MANE Select); coding-DNA positions 398 to 405, 8 bases duplicated (TTAATTCC; older notation c.398_405dupTTAATTCC).
Protein change: p.Pro136_Asp137insTer.
Molecular consequence: nonsense, inframe insertion.
Genome position (GRCh38, 1-based): chr5:38,523,573-38,523,580, GGAATTAA duplicated on the plus strand (TTAATTCC on the coding strand, the reverse complement: LIFR is on the minus strand); duplicating any 8 consecutive bases within chr5:38,523,573-38,523,582 gives the same sequence; the c. name uses the placement nearest the transcript's 3' end. VCF-style (leftmost placement, unchanged base first): chr5-38523572-T-TGGAATTAA. GRCh37 (hg19) VCF-style: chr5-38523674-T-TGGAATTAA.
Other names: c.398_405dup, p.Pro136_Asp137insTer (NM_001364297.2, NM_001364298.2, NM_002310.6).
Identifiers: ClinVar variation 4815027 (VCV004815027.1).